The following is an entry in ClinVar:

ClinVar aggregate classification (germline): Uncertain significance (1 of 4 stars; one submission).

Conditions:
Inborn genetic diseases. Identifiers: MedGen C0950123, MeSH D030342.

gnomAD v4.1: 1 of 1,612,740 alleles (0.000062%); highest among the groups gnomAD compares: South Asian, 0.0011%; no homozygotes.

Submission:

Ambry Genetics
Classification: Uncertain significance for Inborn genetic diseases. Last evaluated: 2025-09-25. Review status: criteria provided, single submitter. Criteria: Ambry Variant Classification Scheme 2023. Collection method: clinical testing. Allele origin: germline.
Comment: The p.K503E variant (also known as c.1507A>G), located in coding exon 15 of the ANKRD26 gene, results from an A to G substitution at nucleotide position 1507. The lysine at codon 503 is replaced by glutamic acid, an amino acid with similar properties. This amino acid position is conserved. In addition, this alteration is predicted to be tolerated by in silico analysis. Based on the available evidence, the clinical significance of this variant remains unclear.

NM_014915.3(ANKRD26):c.1507A>G (p.Lys503Glu)

Gene: ANKRD26 (ankyrin repeat domain 26; minus strand). Cytogenetic location: 10p12.1.
Variant type: single nucleotide variant.
Coding change: c.1507A>G on transcript NM_014915.3 (MANE Select); coding-DNA position 1507, A replaced by G.
Protein change: p.Lys503Glu; replaces lysine 503 with glutamic acid.
Molecular consequence: missense variant.
Genome position (GRCh38, 1-based): chr10:27,060,402, T>C on the plus strand (A>G on the coding strand, the complement: ANKRD26 is on the minus strand). VCF-style: chr10-27060402-T-C. GRCh37 (hg19) VCF-style: chr10-27349331-T-C.
Other names: c.1507A>G, p.Lys503Glu (NM_001256053.2); short protein forms K503E.
Identifiers: ClinVar variation 4578919 (VCV004578919.1).